The following is an entry in ClinVar:

ClinVar aggregate classification (germline): Conflicting classifications of pathogenicity. Review status: criteria provided, conflicting classifications (1 of 4 stars). 2 submissions from 2 submitters: Uncertain significance (1); Likely benign (1). Last evaluated 2025-10-14.

Allele frequency attached by ClinVar (database versions not stated): gnomAD exomes 0.00002; TOPMed 0.00002; gnomAD 0.00003 and 0.00004; ExAC 0.00004; ESP Exome Variant Server 0.00008.
gnomAD v4.1: 29 of 1,611,070 alleles (0.0018%); highest among the groups gnomAD compares: African/African-American, 0.012%; no homozygotes.

Submissions (2):

Ambry Genetics
Classification: Likely benign. Last evaluated: 2025-10-14. Review status: criteria provided, single submitter. Criteria: Ambry Variant Classification Scheme 2023. Collection method: clinical testing. Allele origin: germline.

Labcorp Genetics (formerly Invitae), Labcorp
Classification: Uncertain significance. Last evaluated: 2021-12-29. Review status: criteria provided, single submitter. Criteria: Invitae Variant Classification Sherloc (09022015). Collection method: clinical testing. Allele origin: germline.
Comment: This variant has not been reported in the literature in individuals affected with C5-related conditions. This variant is present in population databases (rs150280452, gnomAD 0.01%). This sequence change replaces alanine, which is neutral and non-polar, with threonine, which is neutral and polar, at codon 1524 of the C5 protein (p.Ala1524Thr). Algorithms developed to predict the effect of missense changes on protein structure and function output the following: SIFT: "Tolerated"; PolyPhen-2: "Benign"; Align-GVGD: "Class C0". The threonine amino acid residue is found in multiple mammalian species, which suggests that this missense change does not adversely affect protein function. In summary, the available evidence is currently insufficient to determine the role of this variant in disease. Therefore, it has been classified as a Variant of Uncertain Significance.

NM_001735.3(C5):c.4570G>A (p.Ala1524Thr)

Gene: C5 (complement C5; minus strand). Cytogenetic location: 9q33.2.
Variant type: single nucleotide variant.
Coding change: c.4570G>A on transcript NM_001735.3 (MANE Select); coding-DNA position 4570, G replaced by A.
Protein change: p.Ala1524Thr; replaces alanine 1524 with threonine.
Molecular consequence: missense variant.
Genome position (GRCh38, 1-based): chr9:120,961,500, C>T on the plus strand (G>A on the coding strand, the complement: C5 is on the minus strand). VCF-style: chr9-120961500-C-T. GRCh37 (hg19) VCF-style: chr9-123723778-C-T.
Other names: c.4588G>A, p.Ala1530Thr (NM_001317163.2); c.4570G>A (NM_001735.2); short protein forms A1524T, A1530T.
Identifiers: ClinVar variation 1405954 (VCV001405954.9), dbSNP rs150280452, ClinGen allele CA5217142.